The following is an entry in ClinVar:

NM_022041.4(GAN):c.1132A>G (p.Ile378Val)

Gene: GAN (gigaxonin; plus strand). Cytogenetic location: 16q23.2.
Variant type: single nucleotide variant.
Coding change: c.1132A>G on transcript NM_022041.4 (MANE Select); coding-DNA position 1132, A replaced by G.
Protein change: p.Ile378Val; replaces isoleucine 378 with valine.
Molecular consequence: missense variant.
Genome position (GRCh38, 1-based): chr16:81,363,839, A>G. VCF-style: chr16-81363839-A-G. GRCh37 (hg19) VCF-style: chr16-81397444-A-G.
Other names: c.493A>G, p.Ile165Val (NM_001377486.1); short protein forms I378V, I165V.
Identifiers: ClinVar variation 452562 (VCV000452562.4), dbSNP rs571347913, ClinGen allele CA8191632.

ClinVar aggregate classification (germline): Conflicting classifications of pathogenicity. Review status: criteria provided, conflicting classifications (1 of 4 stars). 2 submissions from 2 submitters: Uncertain significance (1); Likely benign (1). Last evaluated 2023-03-29.

Conditions:
Inborn genetic diseases. Identifiers: MedGen C0950123, MeSH D030342.

Allele frequency attached by ClinVar (database versions not stated): gnomAD exomes below 0.00001 and 0.00002; TOPMed below 0.00001; gnomAD 0.00001; ExAC 0.00002; 1000 Genomes Project 30x 0.00016; 1000 Genomes Project 0.00020.
gnomAD v4.1: 4 of 1,612,874 alleles (0.00025%); highest among the groups gnomAD compares: East Asian, 0.0045%; no homozygotes.

Submissions (2):

Ambry Genetics
Classification: Likely benign for Inborn genetic diseases. Last evaluated: 2023-03-29. Review status: criteria provided, single submitter. Criteria: Ambry Variant Classification Scheme 2023. Collection method: clinical testing. Allele origin: germline.

GeneDx
Classification: Uncertain significance. Last evaluated: 2017-10-05. Review status: criteria provided, single submitter. Criteria: GeneDx Variant Classification (06012015). Collection method: clinical testing. Allele origin: germline. Affected: yes.
Comment: A variant of uncertain significance has been identified in the GAN gene. The I378V variant has not been published as a pathogenic variant, nor has it been reported as a benign variant to our knowledge. The I378V variant is not observed at a significant frequency in large population cohorts (Lek et al., 2016). The I378V variant is a conservative amino acid substitution, which is not likely to impact secondary protein structure as these residues share similar properties. This substitution occurs at a position where amino acids with similar properties to Isoleucine are tolerated across species. In silico analysis predicts this variant likely does not alter the protein structure/function. Based on the currently available information, it is unclear whether this variant is a pathogenic variant or a rare benign variant.